The following is an entry in ClinVar:

NM_001845.6(COL4A1):c.3502C>T (p.Pro1168Ser)

Gene: COL4A1 (collagen type IV alpha 1 chain; minus strand). Cytogenetic location: 13q34.
Variant type: single nucleotide variant.
Coding change: c.3502C>T on transcript NM_001845.6 (MANE Select); coding-DNA position 3502, C replaced by T.
Protein change: p.Pro1168Ser; replaces proline 1168 with serine.
Molecular consequence: missense variant.
Genome position (GRCh38, 1-based): chr13:110,173,903, G>A on the plus strand (C>T on the coding strand, the complement: COL4A1 is on the minus strand). VCF-style: chr13-110173903-G-A. GRCh37 (hg19) VCF-style: chr13-110826250-G-A.
Other names: short protein forms P1168S.
Identifiers: ClinVar variation 2841296 (VCV002841296.3), dbSNP rs752388415, ClinGen allele CA7047253.

ClinVar aggregate classification (germline): Uncertain significance (1 of 4 stars; one submission).

Allele frequency attached by ClinVar (database versions not stated): ExAC 0.00001; gnomAD exomes below 0.00001.
gnomAD v4.1: 1 of 1,614,170 alleles (0.000062%); highest among the groups gnomAD compares: South Asian, 0.0011%; no homozygotes.

Submission:

Labcorp Genetics (formerly Invitae), Labcorp
Classification: Uncertain significance. Last evaluated: 2023-02-27. Review status: criteria provided, single submitter. Criteria: Invitae Variant Classification Sherloc (09022015). Collection method: clinical testing. Allele origin: germline.
Comment: In summary, the available evidence is currently insufficient to determine the role of this variant in disease. Therefore, it has been classified as a Variant of Uncertain Significance. Algorithms developed to predict the effect of missense changes on protein structure and function output the following: SIFT: "Not Available"; PolyPhen-2: "Possibly Damaging"; Align-GVGD: "Not Available". The serine amino acid residue is found in multiple mammalian species, which suggests that this missense change does not adversely affect protein function. This variant has not been reported in the literature in individuals affected with COL4A1-related conditions. This variant is present in population databases (rs752388415, gnomAD 0.003%). This sequence change replaces proline, which is neutral and non-polar, with serine, which is neutral and polar, at codon 1168 of the COL4A1 protein (p.Pro1168Ser).